The following is an entry in ClinVar:

ClinVar aggregate classification (germline): Conflicting classifications of pathogenicity. Review status: criteria provided, conflicting classifications (1 of 4 stars). 3 submissions from 3 submitters: Likely pathogenic (2); Uncertain significance (1). Last evaluated 2025-08-05.

Conditions:
Febrile seizure (within the age range of 3 months to 6 years). Also called: Febrile seizures; febrile convulsion; Febrile seizure. Identifiers: MedGen C0009952, HP:0002373.

Submissions (3):

Unidad de Genómica Garrahan, Hospital de Pediatría Garrahan
Classification: Likely pathogenic for Febrile seizure. Last evaluated: 2025-08-05. Review status: criteria provided, single submitter. Criteria: ACMG Guidelines, 2015. Collection method: clinical testing. Allele origin: germline. Affected: yes.
Comment: This variant is not present in gnomAD population databases (PM2_sup). Computational prediction tools support a deleterious effect on the gene (PP3_mod). Variant is located in a mutational hotspot (PM1_mod). Different amino acid change as a known pathogenic variant (PM5_mod).

Blueprint Genetics
Classification: Uncertain significance. Last evaluated: 2024-10-04. Review status: criteria provided, single submitter. Criteria: ACMG Guidelines, 2015. Collection method: clinical testing. Allele origin: germline.

CeGaT Center for Human Genetics Tuebingen
Classification: Likely pathogenic. Last evaluated: 2019-04-01. Review status: criteria provided, single submitter. Criteria: CeGaT Center For Human Genetics Tuebingen Variant Classification Criteria Version 2. Collection method: clinical testing. Allele origin: germline. Affected: yes. Observed: 3 variant alleles.

NM_001127222.2(CACNA1A):c.1844G>A (p.Ser615Asn)

Gene: CACNA1A (calcium voltage-gated channel subunit alpha1 A; minus strand). Cytogenetic location: 19p13.13.
Variant type: single nucleotide variant.
Coding change: c.1844G>A on transcript NM_001127222.2 (MANE Select); coding-DNA position 1844, G replaced by A.
Protein change: p.Ser615Asn; replaces serine 615 with asparagine.
Molecular consequence: missense variant.
Genome position (GRCh38, 1-based): chr19:13,308,189, C>T on the plus strand (G>A on the coding strand, the complement: CACNA1A is on the minus strand). VCF-style: chr19-13308189-C-T. GRCh37 (hg19) VCF-style: chr19-13419003-C-T.
Other names: c.1847G>A, p.Ser616Asn (NM_000068.4, NM_001127221.2, NM_001174080.2 and 1 more transcripts); short protein forms S615N, S616N.
Identifiers: ClinVar variation 808478 (VCV000808478.44), dbSNP rs1600292598, ClinGen allele CA404344863.
Genomic context (GRCh38, chr19:13,308,189, plus strand): 5'-AAGAGTTGCATTCCCAAAAGGGCGAAGACGACAATGAACAGGAAAAGGAGAAACAACAGG[C>T]TGATGATGGACTTCATGGAGTTGAGGAGAGAGACGACCAGGTTTCTGAGAGATGCCCAGT-3'
Protein context (NP_001120694.1, residues 605-625): SLLNSMKSII[Ser615Asn]LLFLLFLFIV